The following is an entry in ClinVar:

NM_014714.4(IFT140):c.2446C>T (p.Arg816Trp)

Gene: IFT140 (intraflagellar transport 140; minus strand). Cytogenetic location: 16p13.3.
Variant type: single nucleotide variant.
Coding change: c.2446C>T on transcript NM_014714.4 (MANE Select); coding-DNA position 2446, C replaced by T.
Protein change: p.Arg816Trp; replaces arginine 816 with tryptophan.
Molecular consequence: missense variant.
Genome position (GRCh38, 1-based): chr16:1,526,750, G>A on the plus strand (C>T on the coding strand, the complement: IFT140 is on the minus strand). VCF-style: chr16-1526750-G-A. GRCh37 (hg19) VCF-style: chr16-1576751-G-A.
Other names: short protein forms R816W.
Identifiers: ClinVar variation 707213 (VCV000707213.15), dbSNP rs549813139, ClinGen allele CA7813623.
Genomic context (GRCh38, chr16:1,526,750, plus strand): 5'-GCGCTCGGGCCCCGCGGGCATGGCCCATGTTCCCCAGGCACACCTTGGCCACGTCCAGCC[G>A]CTGGGTCTTCACGCACATGCGCGCCATGTTCTCCCAGACGGCCTCACTGTGGGCAGACGG-3'
Protein context (NP_055529.2, residues 806-826): NMARMCVKTQ[Arg816Trp]LDVAKVCLGN

ClinVar aggregate classification (germline): Conflicting classifications of pathogenicity. Review status: criteria provided, conflicting classifications (1 of 4 stars). 5 submissions from 5 submitters: Uncertain significance (3); Likely benign (2). Last evaluated 2025-12-30.

Conditions:
Retinal dystrophy. Also called: Inherited retinal dystrophy. Identifiers: Orphanet 71862, MedGen C0854723, MeSH D058499, MONDO:0019118, HP:0000556.
IFT140-related disorder. Also called: IFT140-related condition.
Saldino-Mainzer syndrome (SRTD9). Also called: short-rib thoracic dysplasia 9 with or without polydactyly; SHORT-RIB THORACIC DYSPLASIA 9 WITHOUT POLYDACTYLY; CONORENAL SYNDROME; Renal dysplasia, retinal pigmentary dystrophy, cerebellar ataxia and skeletal dysplasia. Identifiers: Orphanet 140969, MedGen C1849437, MONDO:0009964, OMIM 266920.

Allele frequency attached by ClinVar (database versions not stated): 1000 Genomes Project 30x 0.00016; 1000 Genomes Project 0.00020; TOPMed 0.00026.
gnomAD v4.1: 118 of 1,609,890 alleles (0.0073%); highest among the groups gnomAD compares: East Asian, 0.25%; no homozygotes.

Submissions (5):

PreventionGenetics, part of Exact Sciences
Classification: Likely benign for IFT140-related condition. Last evaluated: 2025-12-30. Review status: criteria provided, single submitter. Criteria: ACMG Guidelines, 2015. Collection method: clinical testing. Allele origin: germline.
Comment: This variant is classified as likely benign based on ACMG/AMP sequence variant interpretation guidelines (Richards et al. 2015 PMID: 25741868, with internal and published modifications).

Labcorp Genetics (formerly Invitae), Labcorp
Classification: Likely benign for Saldino-Mainzer syndrome. Last evaluated: 2025-11-16. Review status: criteria provided, single submitter. Criteria: Invitae Variant Classification Sherloc (09022015). Collection method: clinical testing. Allele origin: germline.

Blueprint Genetics
Classification: Uncertain significance. Last evaluated: 2024-09-23. Review status: criteria provided, single submitter. Criteria: ACMG Guidelines, 2015. Collection method: clinical testing. Allele origin: germline.

Dept Of Ophthalmology, Nagoya University
Classification: Uncertain significance for Retinal dystrophy. Last evaluated: 2023-10-01. Review status: criteria provided, single submitter. Criteria: Submitter's publication. Collection method: research. Allele origin: germline. Affected: yes.

GeneDx
Classification: Uncertain significance. Last evaluated: 2019-08-08. Review status: criteria provided, single submitter. Criteria: GeneDx Variant Classification Process June 2021. Collection method: clinical testing. Allele origin: germline. Affected: yes.
Comment: In silico analysis, which includes protein predictors and evolutionary conservation, supports a deleterious effect; Has not been previously published as pathogenic or benign to our knowledge; This variant is associated with the following publications: (PMID: 30076350)